The following is an entry in ClinVar:

NM_000051.4(ATM):c.8942del (p.His2981fs)

Genes: ATM (ATM serine/threonine kinase; plus strand), C11orf65 (chromosome 11 open reading frame 65; minus strand). Cytogenetic location: 11q22.3.
Variant type: Deletion.
Coding change: c.8942del on transcript NM_000051.4 (MANE Select); coding-DNA position 8942, one base deleted (A; older notation c.8942delA).
Protein change: p.His2981fs; shifts the reading frame from histidine 2981.
Molecular consequence: frameshift variant. On other transcripts: intron variant (2).
Genome position (GRCh38, 1-based): chr11:108,365,173, A deleted. VCF-style (leftmost placement, unchanged base first): chr11-108365172-CA-C. GRCh37 (hg19) VCF-style: chr11-108235899-CA-C.
Other names: c.640+20747del (NM_001330368.2); c.694+20747del (NM_001351110.2); c.8942delA, p.His2981Profs (NM_000051.3); c.8942del, p.His2981fs (NM_001351834.2); short protein forms H2981fs.
Identifiers: ClinVar variation 187121 (VCV000187121.15), dbSNP rs786203489, ClinGen allele CA196786.
Genomic context (GRCh38, chr11:108,365,172, plus strand): 5'-ACCATGAATCCTTTGAAAGCTTTGTATTTACAGCAGAGGCCGGAAGATGAAACTGAGCTT[CA>C]CCCTACTCTGAATGCAGATGACCAAGAATGCAAACGAAATCTCAGGTGAGCAGTATTTTA-3'

ClinVar aggregate classification (germline): Pathogenic/Likely pathogenic. Review status: criteria provided, multiple submitters, no conflicts (2 of 4 stars). 4 submissions from 4 submitters: Pathogenic (3); Likely pathogenic (1). Last evaluated 2025-10-01.

Conditions:
Hereditary cancer-predisposing syndrome. Also called: Hereditary Cancer Syndrome; Tumor predisposition; Neoplastic Syndromes, Hereditary; Hereditary neoplastic syndrome. Identifiers: Orphanet 140162, MedGen C0027672, MeSH D009386, MONDO:0015356.
Familial cancer of breast. Also called: hereditary breast carcinoma; BREAST CANCER, FAMILIAL; Hereditary breast cancer. Identifiers: Orphanet 227535, MedGen C0346153, MONDO:0016419, OMIM 114480. Disease mechanism: loss of function.
Ataxia-telangiectasia syndrome (AT). Also called: ATAXIA-TELANGIECTASIA, COMPLEMENTATION GROUP A; ATAXIA-TELANGIECTASIA, FRESNO VARIANT; Ataxia-telangiectasia; Ataxia-telangiectasia, complementation group E; Cerebello-oculocutaneous telangiectasia; Immunodeficiency with ataxia telangiectasia. Identifiers: Orphanet 100, MedGen C0004135, MONDO:0008840, OMIM 208900.

Submissions (4):

Ambry Genetics
Classification: Pathogenic for Hereditary cancer-predisposing syndrome. Last evaluated: 2025-10-01. Review status: criteria provided, single submitter. Criteria: Ambry Variant Classification Scheme 2023. Collection method: clinical testing. Allele origin: germline.
Comment: The c.8942delA pathogenic mutation, located in coding exon 61 of the ATM gene, results from a deletion of one nucleotide at nucleotide position 8942, causing a translational frameshift with a predicted alternate stop codon (p.H2981Pfs*4). This alteration occurs at the 3' terminus of theATM gene, is not expected to trigger nonsense-mediated mRNA decay, and only impacts the last 76 amino acids of the protein. However, premature stop codons are typically deleterious in nature and the impacted region is critical for protein function (Ambry internal data). This variant is considered to be rare based on population cohorts in the Genome Aggregation Database (gnomAD). Based on the supporting evidence, this alteration is interpreted as a disease-causing mutation.

Myriad Genetics, Inc.
Classification: Pathogenic for Familial cancer of breast. Last evaluated: 2024-02-06. Review status: criteria provided, single submitter. Criteria: Myriad Autosomal Dominant, Autosomal Recessive and X-Linked Classification Criteria (2023). Collection method: clinical testing. Allele origin: unknown.
Comment: This variant is considered pathogenic. This variant creates a frameshift predicted to result in premature protein truncation.

Baylor Genetics
Classification: Likely pathogenic for Familial cancer of breast. Last evaluated: 2023-10-28. Review status: criteria provided, single submitter. Criteria: ACMG Guidelines, 2015. Collection method: clinical testing. Allele origin: unknown.

Labcorp Genetics (formerly Invitae), Labcorp
Classification: Pathogenic for Ataxia-telangiectasia syndrome. Last evaluated: 2023-05-23. Review status: criteria provided, single submitter. Criteria: Invitae Variant Classification Sherloc (09022015). Collection method: clinical testing. Allele origin: germline.
Comment: This variant is not present in population databases (gnomAD no frequency). For these reasons, this variant has been classified as Pathogenic. This variant disrupts a region of the ATM protein in which other variant(s) (p.Arg2993*, p.Arg3047*) have been determined to be pathogenic (PMID: 8755918, 12815592, 16238588, 18560558, 20840352, 23774824, 26628246). This suggests that this is a clinically significant region of the protein, and that variants that disrupt it are likely to be disease-causing. ClinVar contains an entry for this variant (Variation ID: 187121). This variant has not been reported in the literature in individuals affected with ATM-related conditions. This sequence change creates a premature translational stop signal (p.His2981Profs*4) in the ATM gene. While this is not anticipated to result in nonsense mediated decay, it is expected to disrupt the last 76 amino acid(s) of the ATM protein.

Literature cited by the submitters: PubMed 8755918 (cited by Labcorp Genetics (formerly Invitae), Labcorp); PubMed 12815592 (cited by Labcorp Genetics (formerly Invitae), Labcorp); PubMed 16238588 (cited by Labcorp Genetics (formerly Invitae), Labcorp); PubMed 18560558 (cited by Labcorp Genetics (formerly Invitae), Labcorp); PubMed 20840352 (cited by Labcorp Genetics (formerly Invitae), Labcorp); PubMed 23774824 (cited by Labcorp Genetics (formerly Invitae), Labcorp); PubMed 26628246 (cited by Labcorp Genetics (formerly Invitae), Labcorp).